The following is an entry in ClinVar:

ClinVar aggregate classification (germline): Uncertain significance (1 of 4 stars; one submission).

Conditions:
Hereditary cancer-predisposing syndrome. Also called: Neoplastic Syndromes, Hereditary; Tumor predisposition; Hereditary neoplastic syndrome; Hereditary Cancer Syndrome. Identifiers: Orphanet 140162, MedGen C0027672, MeSH D009386, MONDO:0015356.

Submission:

Ambry Genetics
Classification: Uncertain significance for Hereditary cancer-predisposing syndrome. Last evaluated: 2024-02-26. Review status: criteria provided, single submitter. Criteria: Ambry Variant Classification Scheme 2023. Collection method: clinical testing. Allele origin: germline.
Comment: The p.G279A variant (also known as c.836G>C), located in coding exon 8 of the APC gene, results from a G to C substitution at nucleotide position 836. The glycine at codon 279 is replaced by alanine, an amino acid with similar properties. This amino acid position is conserved. In addition, in silico predictors for this gene do not accurately predict pathogenicity. Based on the available evidence, the clinical significance of this alteration remains unclear.

NM_000038.6(APC):c.836G>C (p.Gly279Ala)

Gene: APC (APC regulator of Wnt signaling pathway; plus strand). Cytogenetic location: 5q22.2.
Variant type: single nucleotide variant.
Coding change: c.836G>C on transcript NM_000038.6 (MANE Select); coding-DNA position 836, G replaced by C.
Protein change: p.Gly279Ala; replaces glycine 279 with alanine.
Molecular consequence: missense variant. On other transcripts: 5 prime UTR variant (4), non-coding transcript variant (2).
Genome position (GRCh38, 1-based): chr5:112,815,496, G>C. VCF-style: chr5-112815496-G-C. GRCh37 (hg19) VCF-style: chr5-112151193-G-C.
Other names: c.659G>C, p.Gly220Ala (NM_001354905.2, NM_001407453.1, NM_001354900.2 and 1 more transcripts); c.-14G>C (NM_001354906.2, NM_001407470.1, NM_001407471.1 and 1 more transcripts); c.866G>C, p.Gly289Ala (NM_001407446.1, NM_001354897.2, NM_001354902.2); c.836G>C, p.Gly279Ala (NM_001407447.1, NM_001407448.1, NM_001407449.1 and 12 more transcripts); c.761G>C, p.Gly254Ala (NM_001407451.1, NM_001354898.2, NM_001354904.2); c.752G>C, p.Gly251Ala (NM_001407452.1, NM_001407467.1, NM_001407469.1 and 1 more transcripts); c.782G>C, p.Gly261Ala (NM_001127511.3); short protein forms G220A, G251A, G254A, G261A, G279A, G289A.
Identifiers: ClinVar variation 3231787 (VCV003231787.1), dbSNP rs587780607, ClinGen allele CA16023157.